The following is an entry in ClinVar:

NM_001099922.3(ALG13):c.570C>A (p.His190Gln)

Gene: ALG13 (ALG13 UDP-N-acetylglucosaminyltransferase subunit; plus strand). Cytogenetic location: Xq23.
Variant type: single nucleotide variant.
Coding change: c.570C>A on transcript NM_001099922.3 (MANE Select); coding-DNA position 570, C replaced by A.
Protein change: p.His190Gln; replaces histidine 190 with glutamine.
Molecular consequence: missense variant. On other transcripts: non-coding transcript variant (1).
Genome position (GRCh38, 1-based): chrX:111,708,213, C>A. VCF-style: chrX-111708213-C-A. GRCh37 (hg19) VCF-style: chrX-110951441-C-A.
Other names: c.258C>A, p.His86Gln (NM_001257230.2, NM_001257234.2, NM_001257237.2 and 1 more transcripts); c.336C>A, p.His112Gln (NM_001257231.2); c.570C>A, p.His190Gln (NM_001324292.2); short protein forms H190Q, H112Q, H86Q.
Identifiers: ClinVar variation 3677149 (VCV003677149.1).

ClinVar aggregate classification (germline): Uncertain significance (1 of 4 stars; one submission).

Conditions:
Developmental and epileptic encephalopathy, 36 (DEE36). Also called: Epileptic encephalopathy, early infantile, 36; Congenital disorder of glycosylation, type Is; ALG13-CDG. Identifiers: Orphanet 324422, MedGen C4317295, MONDO:0010472, OMIM 300884.

gnomAD v4.1: 1 of 1,209,495 alleles (0.000083%); highest among the groups gnomAD compares: Non-Finnish European, 0.00011%; no homozygotes.

Submission:

Labcorp Genetics (formerly Invitae), Labcorp
Classification: Uncertain significance for Developmental and epileptic encephalopathy, 36. Last evaluated: 2024-06-10. Review status: criteria provided, single submitter. Criteria: Invitae Variant Classification Sherloc (09022015). Collection method: clinical testing. Allele origin: germline.
Comment: This sequence change replaces histidine, which is basic and polar, with glutamine, which is neutral and polar, at codon 190 of the ALG13 protein (p.His190Gln). This variant is not present in population databases (gnomAD no frequency). This missense change has been observed in individual(s) with clinical features of X-linked dominant ALG13-related conditions (Invitae). An algorithm developed to predict the effect of missense changes on protein structure and function (PolyPhen-2) suggests that this variant¬†is likely to be tolerated. This variant disrupts the p.His190 amino acid residue in ALG13. Other variant(s) that disrupt this residue have been observed in individuals with ALG13-related conditions (Invitae), which suggests that this may be a clinically significant amino acid residue. In summary, the available evidence is currently insufficient to determine the role of this variant in disease. Therefore, it has been classified as a Variant of Uncertain Significance.